The following is an entry in ClinVar:

NM_001089.3(ABCA3):c.3600CTT[3] (p.Phe1203del)

Gene: ABCA3 (ATP binding cassette subfamily A member 3; minus strand). Cytogenetic location: 16p13.3.
Variant type: Microsatellite.
Coding change: c.3600CTT[3] on transcript NM_001089.3 (MANE Select); three copies in a row of the 3-base unit CTT starting at c.3600; the reference has four copies in a row; one copy, 3 bases deleted; also written c.3609_3611del.
Protein change: p.Phe1203del; deletes phenylalanine 1203.
Molecular consequence: inframe deletion.
Genome position (GRCh38, 1-based): chr16:2,284,871-2,284,873, AAG deleted on the plus strand (CTT on the coding strand, the reverse complement: ABCA3 is on the minus strand); deleting any 3 consecutive bases within chr16:2,284,871-2,284,882 gives the same sequence; the position shown is the placement nearest the transcript's 3' end. VCF-style (leftmost placement, unchanged base first): chr16-2284870-CAAG-C. GRCh37 (hg19) VCF-style: chr16-2334871-CAAG-C.
Other names: c.3609_3611del (NM_001089.3); c.3609_3611delCTT (NM_001089.2, NM_001089.3); short protein forms F1203del.
Identifiers: ClinVar variation 973875 (VCV000973875.17), dbSNP rs750862009, ClinGen allele CA7840451.

ClinVar aggregate classification (germline): Pathogenic/Likely pathogenic. Review status: criteria provided, multiple submitters, no conflicts (2 of 4 stars). 8 submissions from 8 submitters: Pathogenic (5); Likely pathogenic (3). Last evaluated 2026-01-14.

Conditions:
Hereditary pulmonary alveolar proteinosis. Also called: Pulmonary surfactant metabolism dysfunction. Identifiers: Orphanet 264675, MedGen C3711368, MONDO:0012580.
ABCA3-related disorder. Also called: ABCA3-related condition.
Interstitial lung disease due to ABCA3 deficiency. Also called: PULMONARY ALVEOLAR PROTEINOSIS, CONGENITAL, 3. Identifiers: Orphanet 440402, MedGen C1970456, MONDO:0012582, OMIM 610921.

Submissions (8):

Labcorp Genetics (formerly Invitae), Labcorp
Classification: Pathogenic. Last evaluated: 2026-01-14. Review status: criteria provided, single submitter. Criteria: Invitae Variant Classification Sherloc (09022015). Collection method: clinical testing. Allele origin: germline.
Comment: This variant, c.3609_3611del, results in the deletion of 1 amino acid(s) of the ABCA3 protein (p.Phe1203del), but otherwise preserves the integrity of the reading frame. This variant is present in population databases (rs750862009, gnomAD 0.009%). This variant has been observed in individuals with interstitial lung disease and/or surfactant deficiency (PMID: 16641205, 18024538, 26780485, 32782805). ClinVar contains an entry for this variant (Variation ID: 973875). Algorithms developed to predict the effect of variants on gene product structure and function are not available or were not evaluated for this variant. Experimental studies have shown that this variant affects ABCA3 function (PMID: 32196812). For these reasons, this variant has been classified as Pathogenic.

Blueprint Genetics
Classification: Likely pathogenic for ABCA3-related disorders. Last evaluated: 2024-11-27. Review status: criteria provided, single submitter. Criteria: ACMG Guidelines, 2015. Collection method: clinical testing. Allele origin: germline. Affected: yes. Observed: 5 variant alleles.

Fulgent Genetics
Classification: Pathogenic for Interstitial lung disease due to ABCA3 deficiency. Last evaluated: 2024-05-10. Review status: criteria provided, single submitter. Criteria: ACMG Guidelines, 2015. Collection method: clinical testing. Allele origin: germline.

Ambry Genetics
Classification: Pathogenic for Hereditary pulmonary alveolar proteinosis. Last evaluated: 2024-01-19. Review status: criteria provided, single submitter. Criteria: Ambry Variant Classification Scheme 2023. Collection method: clinical testing. Allele origin: germline.
Comment: The c.3609_3611delCTT variant (also known as p.F1203del) is located in coding exon 21 of the ABCA3 gene. This variant results from an in-frame CTT deletion at nucleotide positions 3609 to 3611. This results in the in-frame deletion of a phenylalanine at codon 1203. This variant has been identified (likely) in trans with another ABCA3 variant in multiple individuals with features consistent with pulmonary surfactant metabolism dysfunction (Garmany TH et al. Pediatr Res, 2006 Jun;59:801-5; Doan ML et al. Thorax, 2008 Apr;63:366-73; Uchida DA et al. Pediatrics, 2011 May;127:e1347-51; Wambach JA et al. Am J Respir Crit Care Med, 2014 Jun;189:1538-43; Ota C et al. Pediatr Pulmonol, 2016 Jun;51:E21-3; Eldridge WB et al. J Pediatr, 2017 May;184:157-164.e2; Cho JG et al. Respirol Case Rep, 2020 Oct;8:e00633). In addition, this alteration is predicted to be deleterious by in silico analysis (Choi Y et al. PLoS ONE. 2012; 7(10):e46688). This variant is considered to be rare based on population cohorts in the Genome Aggregation Database (gnomAD). Based on the supporting evidence, this alteration is interpreted as a disease-causing mutation.

Revvity Omics, Revvity
Classification: Pathogenic for Interstitial lung disease due to ABCA3 deficiency. Last evaluated: 2022-04-07. Review status: criteria provided, single submitter. Criteria: ACMG Guidelines, 2015. Collection method: clinical testing. Allele origin: germline.

Johns Hopkins Genomics, Johns Hopkins University
Classification: Likely pathogenic for Interstitial lung disease due to ABCA3 deficiency. Last evaluated: 2020-03-19. Review status: criteria provided, single submitter. Criteria: ACMG Guidelines, 2015. Collection method: clinical testing. Allele origin: germline.
Comment: This previously reported ABCA3 variant (rs750862009) is rare in a large population dataset (gnomAD: 21/282206 total alleles; 0.007441%; no homozygotes). This single amino acid deletion has been seen multiple times in patients with a phenotype consistent with ABCA3-related surfactant deficiency who also carry a second pathogenic ABCA3 variant on the opposite allele. We consider this variant to be likely pathogenic.

Rady Children's Institute for Genomic Medicine, Rady Children's Hospital San Diego
Classification: Likely pathogenic for SURFACTANT METABOLISM DYSFUNCTION, PULMONARY, 3. Last evaluated: 2020-02-12. Review status: criteria provided, single submitter. Criteria: ACMG Guidelines, 2015. Collection method: clinical testing. Allele origin: germline. Affected: yes.
Comment: This variant has been previously reported as a compound heterozygous change in multiple patients with interstitial lung disease, including chronic pneumonitis, pneumonia, pulmonary fibrosis and emphysema (PMID: 16641205, 18024538, 24871971, 26780485). It is present in the heterozygous state in the gnomAD population database at a frequency of 0.0074% (21/282206) and thus is presumed to be rare. Based on the available evidence, the c.3609_3611del (p.Phe1203del) variant is classified as Likely Pathogenic.

Juno Genomics, Hangzhou Juno Genomics, Inc
Classification: Pathogenic for Interstitial lung disease due to ABCA3 deficiency. Review status: criteria provided, single submitter. Criteria: ACMG Guidelines, 2015. Collection method: clinical testing. Allele origin: germline.
Comment: Absent from controls (or at extremely low frequency if recessive) in Genome Aggregation Database.;Protein length changes due to in-frame deletions/insertions in a non-repeat region or stop-loss variants.;For recessive disorders, detected in trans with a pathogenic variant.

Literature cited by the submitters: PubMed 16641205 (cited by Labcorp Genetics (formerly Invitae), Labcorp and Ambry Genetics); PubMed 18024538 (cited by 3 submitters); PubMed 26780485 (cited by Labcorp Genetics (formerly Invitae), Labcorp and Ambry Genetics); PubMed 32782805 (cited by Labcorp Genetics (formerly Invitae), Labcorp and Ambry Genetics); PubMed 32196812 (cited by Labcorp Genetics (formerly Invitae), Labcorp); PubMed 21464189 (cited by Ambry Genetics and Johns Hopkins Genomics, Johns Hopkins University); PubMed 24871971 (cited by Ambry Genetics and Johns Hopkins Genomics, Johns Hopkins University); PubMed 28215425 (cited by Ambry Genetics and Johns Hopkins Genomics, Johns Hopkins University); PubMed 26295388 (cited by Johns Hopkins Genomics, Johns Hopkins University); PubMed 26517903 (cited by Johns Hopkins Genomics, Johns Hopkins University).